The following is an entry in ClinVar:

ClinVar aggregate classification (germline): Uncertain significance (1 of 4 stars; one submission).

Submission:

Labcorp Genetics (formerly Invitae), Labcorp
Classification: Uncertain significance. Last evaluated: 2024-03-07. Review status: criteria provided, single submitter. Criteria: Invitae Variant Classification Sherloc (09022015). Collection method: clinical testing. Allele origin: germline.
Comment: This sequence change replaces glycine, which is neutral and non-polar, with alanine, which is neutral and non-polar, at codon 1459 of the COL11A2 protein (p.Gly1459Ala). This variant is not present in population databases (gnomAD no frequency). This variant has not been reported in the literature in individuals affected with COL11A2-related conditions. ClinVar contains an entry for this variant (Variation ID: 2070792). Advanced modeling of protein sequence and biophysical properties (such as structural, functional, and spatial information, amino acid conservation, physicochemical variation, residue mobility, and thermodynamic stability) performed at Invitae indicates that this missense variant is expected to disrupt COL11A2 protein function with a positive predictive value of 95%. In summary, the available evidence is currently insufficient to determine the role of this variant in disease. Therefore, it has been classified as a Variant of Uncertain Significance.

NM_080680.3(COL11A2):c.4376G>C (p.Gly1459Ala)

Gene: COL11A2 (collagen type XI alpha 2 chain; minus strand). Cytogenetic location: 6p21.32.
Variant type: single nucleotide variant.
Coding change: c.4376G>C on transcript NM_080680.3 (MANE Select); coding-DNA position 4376, G replaced by C.
Protein change: p.Gly1459Ala; replaces glycine 1459 with alanine.
Molecular consequence: missense variant.
Genome position (GRCh38, 1-based): chr6:33,166,529, C>G on the plus strand (G>C on the coding strand, the complement: COL11A2 is on the minus strand). VCF-style: chr6-33166529-C-G. GRCh37 (hg19) VCF-style: chr6-33134306-C-G.
Other names: c.4055G>C, p.Gly1352Ala (NM_080679.3); c.4118G>C, p.Gly1373Ala (NM_080681.3); short protein forms G1373A, G1459A, G1352A.
Identifiers: ClinVar variation 2070792 (VCV002070792.4), dbSNP rs2534513688, ClinGen allele CA363620070.